The following is an entry in ClinVar:

NM_001082971.2(DDC):c.1369del (p.Ser457fs)

Gene: DDC (dopa decarboxylase; minus strand). Cytogenetic location: 7p12.2.
Variant type: Deletion.
Coding change: c.1369del on transcript NM_001082971.2 (MANE Select); coding-DNA position 1369, one base deleted (T; older notation c.1369delT).
Protein change: p.Ser457fs; shifts the reading frame from serine 457.
Molecular consequence: frameshift variant.
Genome position (GRCh38, 1-based): chr7:50,463,305, A deleted on the plus strand (T on the coding strand, the reverse complement: DDC is on the minus strand). VCF-style (leftmost placement, unchanged base first): chr7-50463304-GA-G. GRCh37 (hg19) VCF-style: chr7-50531002-GA-G.
Other names: c.1369del, p.Ser457fs (NM_000790.4); c.1255del, p.Ser419fs (NM_001242886.2); c.1225del, p.Ser409fs (NM_001242887.2); c.1135del, p.Ser379fs (NM_001242888.2); c.1090del, p.Ser364fs (NM_001242889.2); short protein forms S419fs, S364fs, S457fs, S379fs, S409fs.
Identifiers: ClinVar variation 4715885 (VCV004715885.1).

ClinVar aggregate classification (germline): Pathogenic (1 of 4 stars; one submission).

Conditions:
Deficiency of aromatic-L-amino-acid decarboxylase. Also called: Aromatic amino acid decarboxylase deficiency; AADC DEFICIENCY; DDC DEFICIENCY; DOPA DECARBOXYLASE DEFICIENCY; Aromatic L-Amino Acid Decarboxylase Deficiency. Identifiers: Orphanet 35708, MedGen C1291564, MONDO:0012084, OMIM 608643.

Submission:

Labcorp Genetics (formerly Invitae), Labcorp
Classification: Pathogenic for Deficiency of aromatic-L-amino-acid decarboxylase. Last evaluated: 2025-03-25. Review status: criteria provided, single submitter. Criteria: Invitae Variant Classification Sherloc (09022015). Collection method: clinical testing. Allele origin: germline.
Comment: This sequence change results in a frameshift in the DDC gene (p.Ser457Leufs*74). While this is not anticipated to result in nonsense mediated decay, it is expected to disrupt the last 24 amino acid(s) of the DDC protein and extend the protein by 49 additional amino acid residues. This variant is not present in population databases (gnomAD no frequency). This variant has not been reported in the literature in individuals affected with DDC-related conditions. This variant disrupts a region of the DDC protein in which other variant(s) (p.Arg462Pro) have been determined to be pathogenic (PMID: 17240182, 24037885, 24865461). This suggests that this is a clinically significant region of the protein, and that variants that disrupt it are likely to be disease-causing. For these reasons, this variant has been classified as Pathogenic.

Literature cited by the submitters: PubMed 17240182; PubMed 24037885; PubMed 24865461.